The following is an entry in ClinVar:

ClinVar aggregate classification (germline): Uncertain significance (1 of 4 stars; one submission).

Allele frequency attached by ClinVar (database versions not stated): gnomAD exomes below 0.00001.
gnomAD v4.1: 2 of 1,248,016 alleles (0.00016%); highest among the groups gnomAD compares: Non-Finnish European, 0.0002%; no homozygotes.

Submission:

Labcorp Genetics (formerly Invitae), Labcorp
Classification: Uncertain significance. Last evaluated: 2023-08-16. Review status: criteria provided, single submitter. Criteria: Invitae Variant Classification Sherloc (09022015). Collection method: clinical testing. Allele origin: germline.
Comment: Advanced modeling of protein sequence and biophysical properties (such as structural, functional, and spatial information, amino acid conservation, physicochemical variation, residue mobility, and thermodynamic stability) performed at Invitae indicates that this missense variant is not expected to disrupt GATA5 protein function. ClinVar contains an entry for this variant (Variation ID: 1488019). This variant has not been reported in the literature in individuals affected with GATA5-related conditions. This variant is not present in population databases (gnomAD no frequency). This sequence change replaces phenylalanine, which is neutral and non-polar, with leucine, which is neutral and non-polar, at codon 95 of the GATA5 protein (p.Phe95Leu). In summary, the available evidence is currently insufficient to determine the role of this variant in disease. Therefore, it has been classified as a Variant of Uncertain Significance.

NM_080473.5(GATA5):c.285C>G (p.Phe95Leu)

Gene: GATA5 (GATA binding protein 5; minus strand). Cytogenetic location: 20q13.33.
Variant type: single nucleotide variant.
Coding change: c.285C>G on transcript NM_080473.5 (MANE Select); coding-DNA position 285, C replaced by G.
Protein change: p.Phe95Leu; replaces phenylalanine 95 with leucine.
Molecular consequence: missense variant.
Genome position (GRCh38, 1-based): chr20:62,475,237, G>C on the plus strand (C>G on the coding strand, the complement: GATA5 is on the minus strand). VCF-style: chr20-62475237-G-C. GRCh37 (hg19) VCF-style: chr20-61050293-G-C.
Other names: short protein forms F95L.
Identifiers: ClinVar variation 1488019 (VCV001488019.8), dbSNP rs1036595030, ClinGen allele CA317288593.